The following is an entry in ClinVar:

ClinVar aggregate classification (germline): Conflicting classifications of pathogenicity. Review status: criteria provided, conflicting classifications (1 of 4 stars). 2 submissions from 2 submitters: Uncertain significance (1); Likely benign (1). Last evaluated 2025-03-19.

Conditions:
CREBBP-related disorder. Also called: CREBBP-related condition; CREBBP-related disorders.
Rubinstein-Taybi syndrome (RSTS). Identifiers: Orphanet 783, MedGen C0035934, MONDO:0019188.

Allele frequency attached by ClinVar (database versions not stated): gnomAD exomes below 0.00001; ExAC 0.00001; TOPMed 0.00001.
gnomAD v4.1: 5 of 1,609,194 alleles (0.00031%); highest among the groups gnomAD compares: Admixed American, 0.0033%; no homozygotes.

Submissions (2):

Labcorp Genetics (formerly Invitae), Labcorp
Classification: Uncertain significance for Rubinstein-Taybi syndrome. Last evaluated: 2025-03-19. Review status: criteria provided, single submitter. Criteria: Invitae Variant Classification Sherloc (09022015). Collection method: clinical testing. Allele origin: germline.
Comment: This sequence change falls in intron 30 of the CREBBP gene. It does not directly change the encoded amino acid sequence of the CREBBP protein. It affects a nucleotide within the consensus splice site. This variant is present in population databases (rs780546762, gnomAD 0.006%). This variant has not been reported in the literature in individuals affected with CREBBP-related conditions. ClinVar contains an entry for this variant (Variation ID: 2164425). Variants that disrupt the consensus splice site are a relatively common cause of aberrant splicing (PMID: 17576681, 9536098). Algorithms developed to predict the effect of sequence changes on RNA splicing suggest that this variant is not likely to affect RNA splicing. In summary, the available evidence is currently insufficient to determine the role of this variant in disease. Therefore, it has been classified as a Variant of Uncertain Significance.

PreventionGenetics, part of Exact Sciences
Classification: Likely benign for CREBBP-related condition. Last evaluated: 2024-10-09. Review status: criteria provided, single submitter. Criteria: ACMG Guidelines, 2015. Collection method: clinical testing. Allele origin: germline.
Comment: This variant is classified as likely benign based on ACMG/AMP sequence variant interpretation guidelines (Richards et al. 2015 PMID: 25741868, with internal and published modifications).

Literature cited by the submitters: PubMed 17576681 (cited by Labcorp Genetics (formerly Invitae), Labcorp); PubMed 9536098 (cited by Labcorp Genetics (formerly Invitae), Labcorp).

NM_004380.3(CREBBP):c.5172+4G>A

Gene: CREBBP (CREB binding lysine acetyltransferase; minus strand). Cytogenetic location: 16p13.3.
Variant type: single nucleotide variant.
Coding change: c.5172+4G>A on transcript NM_004380.3 (MANE Select); 4 bases into the intron after coding-DNA position 5172, G replaced by A.
Molecular consequence: intron variant.
Genome position (GRCh38, 1-based): chr16:3,731,188, C>T on the plus strand (G>A on the coding strand, the complement: CREBBP is on the minus strand). VCF-style: chr16-3731188-C-T. GRCh37 (hg19) VCF-style: chr16-3781189-C-T.
Other names: c.5058+4G>A (NM_001079846.1); c.5172+4G>A (NM_004380.2).
Identifiers: ClinVar variation 2164425 (VCV002164425.5), dbSNP rs780546762, ClinGen allele CA7869345.